The following is an entry in ClinVar:

ClinVar aggregate classification (germline): Pathogenic. Review status: criteria provided, single submitter (1 of 4 stars). 2 submissions from 2 submitters: Pathogenic (1). 1 of the submissions does not count toward it. Last evaluated 2015-12-19.

Conditions:
Duchenne muscular dystrophy (DMD). Also called: Duchenne Muscular Dystrophy (DMD); MUSCULAR DYSTROPHY, PSEUDOHYPERTROPHIC PROGRESSIVE, DUCHENNE TYPE. Identifiers: Orphanet 98896, MedGen C0013264, MONDO:0010679, OMIM 310200.

Submissions (2):

Labcorp Genetics (formerly Invitae), Labcorp
Classification: Pathogenic for Duchenne muscular dystrophy. Last evaluated: 2015-12-19. Review status: criteria provided, single submitter. Criteria: Invitae Variant Classification Sherloc (09022015). Collection method: clinical testing. Allele origin: germline.
Comment: For these reasons, this variant has been classified as Pathogenic. While this particular variant has not been reported in the literature, truncating variants in DMD are known to be pathogenic (PMID: 16770791). This sequence change creates a premature translational stop signal at codon 1836 (p.Gln1836*). It is expected to result in an absent or disrupted protein product.

Coyote Medical Laboratory (Beijing), Coyote
Classification: Pathogenic for Duchenne muscular dystrophy. Last evaluated: 2017-10-29. Review status: no assertion criteria provided. Collection method: clinical testing. Allele origin: germline. Inheritance: X-linked inheritance. Affected: yes. Observed: 1 variant allele. Not counted in ClinVar's aggregate classification.

Literature cited by the submitters: PubMed 16770791 (cited by Labcorp Genetics (formerly Invitae), Labcorp).

NM_004006.3(DMD):c.5506C>T (p.Gln1836Ter)

Gene: DMD (dystrophin; minus strand). Cytogenetic location: Xp21.1.
Variant type: single nucleotide variant.
Coding change: c.5506C>T on transcript NM_004006.3 (MANE Select); coding-DNA position 5506, C replaced by T.
Protein change: p.Gln1836Ter; replaces glutamine 1836 with a stop codon.
Molecular consequence: nonsense.
Genome position (GRCh38, 1-based): chrX:32,346,023, G>A on the plus strand (C>T on the coding strand, the complement: DMD is on the minus strand). VCF-style: chrX-32346023-G-A. GRCh37 (hg19) VCF-style: chrX-32364140-G-A.
Other names: c.5482C>T, p.Gln1828Ter (NM_000109.4); c.5494C>T, p.Gln1832Ter (NM_004009.3); c.5137C>T, p.Gln1713Ter (NM_004010.3); c.1483C>T, p.Gln495Ter (NM_004011.4); c.1474C>T, p.Gln492Ter (NM_004012.4); short protein forms Q1836*, Q1832*, Q1828*, Q495*, Q492*, Q1713*.
Identifiers: ClinVar variation 239608 (VCV000239608.10), dbSNP rs770845480, ClinGen allele CA10583945.